The following is an entry in ClinVar:

ClinVar aggregate classification (germline): Uncertain significance. Review status: criteria provided, multiple submitters, no conflicts (2 of 4 stars). 2 submissions from 2 submitters: Uncertain significance (2). Last evaluated 2025-03-20.

Conditions:
Hereditary cancer-predisposing syndrome. Also called: Neoplastic Syndromes, Hereditary; Hereditary Cancer Syndrome; Hereditary neoplastic syndrome; Tumor predisposition. Identifiers: Orphanet 140162, MedGen C0027672, MeSH D009386, MONDO:0015356.

Submissions (2):

Ambry Genetics
Classification: Uncertain significance for Hereditary cancer-predisposing syndrome. Last evaluated: 2025-03-20. Review status: criteria provided, single submitter. Criteria: Ambry Variant Classification Scheme 2023. Collection method: clinical testing. Allele origin: germline.
Comment: The c.2493-4C>T intronic variant results from a C to T substitution 4 nucleotides upstream from coding exon 17 in the BRIP1 gene. This nucleotide position is poorly conserved in available vertebrate species. In silico splice site analysis predicts that this alteration will not have any significant effect on splicing; however, direct evidence is insufficient at this time (Ambry internal data). Based on the available evidence, the clinical significance of this variant remains unclear.

Color Diagnostics, LLC DBA Color Health
Classification: Uncertain significance for Hereditary cancer-predisposing syndrome. Last evaluated: 2019-03-29. Review status: criteria provided, single submitter. Criteria: ACMG Guidelines, 2015. Collection method: clinical testing. Allele origin: germline.

NM_032043.3(BRIP1):c.2493-4C>T

Gene: BRIP1 (BRCA1 interacting DNA helicase 1; minus strand). Cytogenetic location: 17q23.2.
Variant type: single nucleotide variant.
Coding change: c.2493-4C>T on transcript NM_032043.3 (MANE Select); 4 bases into the intron before coding-DNA position 2493, C replaced by T.
Molecular consequence: intron variant.
Genome position (GRCh38, 1-based): chr17:61,693,516, G>A on the plus strand (C>T on the coding strand, the complement: BRIP1 is on the minus strand). VCF-style: chr17-61693516-G-A. GRCh37 (hg19) VCF-style: chr17-59770877-G-A.
Identifiers: ClinVar variation 479472 (VCV000479472.8), dbSNP rs1057521675, ClinGen allele CA658658657.